The following is an entry in ClinVar:

ClinVar aggregate classification (germline): Uncertain significance. Review status: criteria provided, multiple submitters, no conflicts (2 of 4 stars). 2 submissions from 2 submitters: Uncertain significance (2). Last evaluated 2023-11-30.

Conditions:
Hereditary cancer-predisposing syndrome. Also called: Hereditary neoplastic syndrome; Neoplastic Syndromes, Hereditary; Tumor predisposition; Hereditary Cancer Syndrome. Identifiers: Orphanet 140162, MedGen C0027672, MeSH D009386, MONDO:0015356.
Ataxia-telangiectasia syndrome (AT). Also called: LOUIS-BAR SYNDROME; Cerebello-oculocutaneous telangiectasia; Immunodeficiency with ataxia telangiectasia; AT, COMPLEMENTATION GROUP C; Ataxia-telangiectasia, complementation group D; ATAXIA-TELANGIECTASIA, COMPLEMENTATION GROUP A. Identifiers: Orphanet 100, MedGen C0004135, MONDO:0008840, OMIM 208900.

Submissions (2):

Ambry Genetics
Classification: Uncertain significance for Hereditary cancer-predisposing syndrome. Last evaluated: 2023-11-30. Review status: criteria provided, single submitter. Criteria: Ambry Variant Classification Scheme 2023. Collection method: clinical testing. Allele origin: germline.
Comment: The p.D256V variant (also known as c.767A>T), located in coding exon 6 of the ATM gene, results from an A to T substitution at nucleotide position 767. The aspartic acid at codon 256 is replaced by valine, an amino acid with highly dissimilar properties. This alteration was identified in an individual diagnosed with early onset cerebellar ataxia (Shakya S et al. Clin Genet, 2019 Dec;96:566-574). This amino acid position is not well conserved in available vertebrate species. In addition, the in silico prediction for this alteration is inconclusive. Since supporting evidence is limited at this time, the clinical significance of this alteration remains unclear.

Labcorp Genetics (formerly Invitae), Labcorp
Classification: Uncertain significance for Ataxia-telangiectasia syndrome. Last evaluated: 2023-01-26. Review status: criteria provided, single submitter. Criteria: Invitae Variant Classification Sherloc (09022015). Collection method: clinical testing. Allele origin: germline.
Comment: In summary, the available evidence is currently insufficient to determine the role of this variant in disease. Therefore, it has been classified as a Variant of Uncertain Significance. This sequence change replaces aspartic acid, which is acidic and polar, with valine, which is neutral and non-polar, at codon 256 of the ATM protein (p.Asp256Val). This variant is not present in population databases (gnomAD no frequency). This missense change has been observed in individual(s) with cerebellar ataxia (PMID: 31429931). ClinVar contains an entry for this variant (Variation ID: 482738). Algorithms developed to predict the effect of missense changes on protein structure and function (SIFT, PolyPhen-2, Align-GVGD) all suggest that this variant is likely to be disruptive.

Literature cited by the submitters: PubMed 31429931 (cited by Ambry Genetics and Labcorp Genetics (formerly Invitae), Labcorp).

NM_000051.4(ATM):c.767A>T (p.Asp256Val)

Gene: ATM (ATM serine/threonine kinase; plus strand). Cytogenetic location: 11q22.3.
Variant type: single nucleotide variant.
Coding change: c.767A>T on transcript NM_000051.4 (MANE Select); coding-DNA position 767, A replaced by T.
Protein change: p.Asp256Val; replaces aspartic acid 256 with valine.
Molecular consequence: missense variant.
Genome position (GRCh38, 1-based): chr11:108,244,892, A>T. VCF-style: chr11-108244892-A-T. GRCh37 (hg19) VCF-style: chr11-108115619-A-T.
Other names: c.767A>T, p.Asp256Val (NM_001351834.2); short protein forms D256V.
Identifiers: ClinVar variation 482738 (VCV000482738.13), dbSNP rs907941927, ClinGen allele CA382529305.